The following is an entry in ClinVar:

ClinVar aggregate classification (germline): Uncertain significance (1 of 4 stars; one submission).

Allele frequency attached by ClinVar (database versions not stated): gnomAD exomes below 0.00001; TOPMed below 0.00001.

Submission:

Labcorp Genetics (formerly Invitae), Labcorp
Classification: Uncertain significance. Last evaluated: 2022-04-07. Review status: criteria provided, single submitter. Criteria: Invitae Variant Classification Sherloc (09022015). Collection method: clinical testing. Allele origin: germline.
Comment: This sequence change replaces valine, which is neutral and non-polar, with alanine, which is neutral and non-polar, at codon 330 of the SEMA4A protein (p.Val330Ala). In summary, the available evidence is currently insufficient to determine the role of this variant in disease. Therefore, it has been classified as a Variant of Uncertain Significance. Algorithms developed to predict the effect of missense changes on protein structure and function (SIFT, PolyPhen-2, Align-GVGD) all suggest that this variant is likely to be tolerated. This variant has not been reported in the literature in individuals affected with SEMA4A-related conditions. This variant is not present in population databases (gnomAD no frequency).

NM_022367.4(SEMA4A):c.989T>C (p.Val330Ala)

Gene: SEMA4A (semaphorin 4A; plus strand). Cytogenetic location: 1q22.
Variant type: single nucleotide variant.
Coding change: c.989T>C on transcript NM_022367.4 (MANE Select); coding-DNA position 989, T replaced by C.
Protein change: p.Val330Ala; replaces valine 330 with alanine.
Molecular consequence: missense variant.
Genome position (GRCh38, 1-based): chr1:156,162,949, T>C. VCF-style: chr1-156162949-T-C. GRCh37 (hg19) VCF-style: chr1-156132740-T-C.
Other names: c.989T>C, p.Val330Ala (NM_001193300.2, NM_001193301.2, NM_001370567.1); c.593T>C, p.Val198Ala (NM_001193302.2); c.692T>C, p.Val231Ala (NM_001370568.1); c.482T>C, p.Val161Ala (NM_001370569.1, NM_001370571.1); short protein forms V330A, V161A, V198A, V231A.
Identifiers: ClinVar variation 1950806 (VCV001950806.5), dbSNP rs1184391166, ClinGen allele CA342840291.